The following is an entry in ClinVar:

NM_007294.4(BRCA1):c.5265C>G (p.Ser1755=)

Gene: BRCA1 (BRCA1 DNA repair associated; minus strand). Cytogenetic location: 17q21.31.
Variant type: single nucleotide variant.
Coding change: c.5265C>G on transcript NM_007294.4 (MANE Select); coding-DNA position 5265, C replaced by G.
Protein change: p.Ser1755=; no amino-acid change (serine 1755 retained).
Molecular consequence: synonymous variant.
Genome position (GRCh38, 1-based): chr17:43,057,064, G>C on the plus strand (C>G on the coding strand, the complement: BRCA1 is on the minus strand). VCF-style: chr17-43057064-G-C. GRCh37 (hg19) VCF-style: chr17-41209081-G-C.
Other names: c.5052C>G, p.Ser1684= (NM_001407571.1, NM_001407894.1, NM_001407895.1 and 12 more transcripts); c.5331C>G, p.Ser1777= (NM_001407581.1, NM_001407582.1); c.5328C>G, p.Ser1776= (NM_001407583.1, NM_001407585.1, NM_001407587.1 and 1 more transcripts); c.5325C>G, p.Ser1775= (NM_001407590.1, NM_001407591.1); c.5265C>G, p.Ser1755= (NM_001407593.1, NM_001407594.1, NM_001407596.1 and 7 more transcripts); c.5262C>G, p.Ser1754= (NM_001407610.1, NM_001407611.1, NM_001407612.1 and 17 more transcripts); c.5259C>G, p.Ser1753= (NM_001407627.1, NM_001407628.1, NM_001407629.1 and 14 more transcripts); c.5256C>G, p.Ser1752= (NM_001407644.1, NM_001407645.1); and 72 more.
Identifiers: ClinVar variation 868238 (VCV000868238.3), dbSNP rs1555576855, ClinGen allele CA500144526.

Conditions:
Breast-ovarian cancer, familial, susceptibility to, 1 (BROVCA1). Also called: BRCA1 Hereditary Breast and Ovarian Cancer; OVARIAN CANCER, SUSCEPTIBILITY TO. Identifiers: Orphanet 145, MedGen C2676676, MONDO:0011450, OMIM 604370. Disease mechanism: loss of function.

Submission:

Brotman Baty Institute, University of Washington
No classification provided (evidence only). Condition: Breast-ovarian cancer, familial 1. Review status: no classification provided. Collection method: in vitro. Allele origin: not applicable. Functional consequence: functionally_normal.
ClinVar note: "not provided" was previously submitted as the classification for the variant. However, the classification appeared to be based only on an observation of functional data so it was converted to no classification on 2025-07-30.